The following is an entry in ClinVar:

NM_130837.3(OPA1):c.603C>T (p.Leu201=)

Gene: OPA1 (OPA1 mitochondrial dynamin like GTPase; plus strand). Cytogenetic location: 3q29.
Variant type: single nucleotide variant.
Coding change: c.603C>T on transcript NM_130837.3 (MANE Select); coding-DNA position 603, C replaced by T.
Protein change: p.Leu201=; no amino-acid change (leucine 201 retained).
Molecular consequence: synonymous variant. On other transcripts: intron variant (6).
Genome position (GRCh38, 1-based): chr3:193,617,830, C>T. VCF-style: chr3-193617830-C-T. GRCh37 (hg19) VCF-style: chr3-193335619-C-T.
Other names: c.495C>T, p.Leu165= (NM_130832.3, NM_130835.3); c.603C>T, p.Leu201= (NM_130834.3); c.184+545C>T (NM_001354664.2); c.77-1039C>T (NM_001354663.2); c.556+545C>T (NM_130836.3, NM_015560.3); c.449-1039C>T (NM_130833.3, NM_130831.3); c.603C>T (NM_130837.2).
Identifiers: ClinVar variation 1554505 (VCV001554505.11), dbSNP rs377506325, ClinGen allele CA2759066.

ClinVar aggregate classification (germline): Likely benign. Review status: criteria provided, multiple submitters, no conflicts (2 of 4 stars). 3 submissions from 3 submitters: Likely benign (2). 1 of the submissions does not count toward it. Last evaluated 2026-01-19.

Conditions:
OPA1-related disorder. Also called: OPA1-related condition; OPA1-related disorders.

Allele frequency attached by ClinVar (database versions not stated): gnomAD 0.00001; gnomAD exomes 0.00002 and 0.00003; ExAC 0.00003; TOPMed 0.00003; ESP Exome Variant Server 0.00008.
gnomAD v4.1: 23 of 1,611,050 alleles (0.0014%); highest among the groups gnomAD compares: Admixed American, 0.012%; no homozygotes.

Submissions (3):

Labcorp Genetics (formerly Invitae), Labcorp
Classification: Likely benign. Last evaluated: 2026-01-19. Review status: criteria provided, single submitter. Criteria: Invitae Variant Classification Sherloc (09022015). Collection method: clinical testing. Allele origin: germline.

Blueprint Genetics
Classification: Likely benign. Last evaluated: 2022-11-05. Review status: criteria provided, single submitter. Criteria: ACMG Guidelines, 2015. Collection method: clinical testing. Allele origin: germline.

PreventionGenetics, part of Exact Sciences
Classification: Likely benign for OPA1-related condition. Last evaluated: 2020-02-24. Review status: no assertion criteria provided. Collection method: clinical testing. Allele origin: germline. Not counted in ClinVar's aggregate classification.
Comment: This variant is classified as likely benign based on ACMG/AMP sequence variant interpretation guidelines (Richards et al. 2015 PMID: 25741868, with internal and published modifications).